The following is an entry in ClinVar:

ClinVar aggregate classification (germline): Uncertain significance (1 of 4 stars; one submission).

Conditions:
Temtamy preaxial brachydactyly syndrome (TPBS). Identifiers: Orphanet 363417, MedGen C1854466, MONDO:0011533, OMIM 605282.

Allele frequency attached by ClinVar (database versions not stated): gnomAD exomes below 0.00001; gnomAD 0.00002 and 0.00003.
gnomAD v4.1: 9 of 1,613,188 alleles (0.00056%); highest among the groups gnomAD compares: Non-Finnish European, 0.00076%; no homozygotes.

Submission:

Labcorp Genetics (formerly Invitae), Labcorp
Classification: Uncertain significance for Temtamy preaxial brachydactyly syndrome. Last evaluated: 2020-07-07. Review status: criteria provided, single submitter. Criteria: Invitae Variant Classification Sherloc (09022015). Collection method: clinical testing. Allele origin: germline.
Comment: This sequence change replaces glycine with arginine at codon 765 of the CHSY1 protein (p.Gly765Arg). The glycine residue is highly conserved and there is a moderate physicochemical difference between glycine and arginine. This variant is not present in population databases (ExAC no frequency). This variant has not been reported in the literature in individuals with CHSY1-related conditions. Algorithms developed to predict the effect of missense changes on protein structure and function are either unavailable or do not agree on the potential impact of this missense change (SIFT: "Deleterious"; PolyPhen-2: "Probably Damaging"; Align-GVGD: "Class C15"). In summary, the available evidence is currently insufficient to determine the role of this variant in disease. Therefore, it has been classified as a Variant of Uncertain Significance.

NM_014918.5(CHSY1):c.2293G>A (p.Gly765Arg)

Gene: CHSY1 (chondroitin sulfate synthase 1; minus strand). Cytogenetic location: 15q26.3.
Variant type: single nucleotide variant.
Coding change: c.2293G>A on transcript NM_014918.5 (MANE Select); coding-DNA position 2293, G replaced by A.
Protein change: p.Gly765Arg; replaces glycine 765 with arginine.
Molecular consequence: missense variant.
Genome position (GRCh38, 1-based): chr15:101,177,504, C>T on the plus strand (G>A on the coding strand, the complement: CHSY1 is on the minus strand). VCF-style: chr15-101177504-C-T. GRCh37 (hg19) VCF-style: chr15-101717709-C-T.
Other names: short protein forms G765R.
Identifiers: ClinVar variation 1060429 (VCV001060429.9), dbSNP rs1315448986, ClinGen allele CA393956542.